The following is an entry in ClinVar:

ClinVar aggregate classification (germline): Pathogenic/Likely pathogenic. Review status: criteria provided, multiple submitters, no conflicts (2 of 4 stars). 3 submissions from 3 submitters: Pathogenic (2); Likely pathogenic (1). Last evaluated 2025-06-23.

Conditions:
Coffin-Siris syndrome 8. Identifiers: MedGen C5193054, MONDO:0032702, OMIM 618362.
SMARCC2-related disorder. Also called: SMARCC2-related condition.

Submissions (3):

Variantyx, Inc.
Classification: Pathogenic for Coffin-Siris syndrome 8. Last evaluated: 2025-06-23. Review status: criteria provided, single submitter. Criteria: Variantyx Assertion Criteria 2022. Collection method: clinical testing. Allele origin: germline. Inheritance: Autosomal dominant inheritance. Affected: yes.
Comment: This is a frameshift variant in the SMARCC2 gene (OMIM: 601734). Pathogenic variants in this gene have been associated with autosomal dominant Coffin-Siris syndrome 8. This variant introduces a premature termination codon in exon 12 out of 29 and is expected to result in loss of function, which is a known disease mechanism for SMARCC2 in this disorder (PMID: 30580808) (PVS1). This variant has been reported in at least two unrelated affected individual(s) (PMID: 34881817) (PS4_Moderate). This variant is absent from control populations (PM2). Based on the current evidence, this variant is classified as pathogenic for autosomal dominant Coffin-Siris syndrome 8.This variant was reported by previous genetic testing.

MVZ Martinsried, Medicover Genetics
Classification: Pathogenic for Coffin-Siris syndrome 8. Last evaluated: 2022-06-13. Review status: criteria provided, single submitter. Criteria: ACGS Guidelines, 2020. Collection method: clinical testing. Allele origin: de novo. Affected: yes.

Blueprint Genetics
Classification: Likely pathogenic for SMARCC2-related disorders. Last evaluated: 2020-10-05. Review status: criteria provided, single submitter. Criteria: ACMG Guidelines, 2015. Collection method: clinical testing. Allele origin: germline. Affected: yes. Observed: 1 variant allele.

Literature cited by the submitters: PubMed 30580808 (cited by Variantyx, Inc.); PubMed 34881817 (cited by Variantyx, Inc.).

NM_001330288.2(SMARCC2):c.1094_1097del (p.Lys365fs)

Gene: SMARCC2 (SWI/SNF related BAF chromatin remodeling complex subunit C2; minus strand). Cytogenetic location: 12q13.2.
Variant type: Microsatellite.
Coding change: c.1094_1097del on transcript NM_001330288.2 (MANE Select); coding-DNA positions 1094 to 1097, 4 bases deleted (AAGA; older notation c.1094_1097delAAGA).
Protein change: p.Lys365fs; shifts the reading frame from lysine 365.
Molecular consequence: frameshift variant.
Genome position (GRCh38, 1-based): chr12:56,179,041-56,179,044, TCTT deleted on the plus strand (AAGA on the coding strand, the reverse complement: SMARCC2 is on the minus strand); deleting any 4 consecutive bases within chr12:56,179,041-56,179,049 gives the same sequence; the c. name uses the placement nearest the transcript's 3' end. VCF-style (leftmost placement, unchanged base first): chr12-56179040-GTCTT-G. GRCh37 (hg19) VCF-style: chr12-56572824-GTCTT-G.
Other names: c.1094_1097del, p.Lys365fs (NM_001130420.3, NM_003075.5, NM_139067.4); short protein forms K365fs.
Identifiers: ClinVar variation 1992356 (VCV001992356.2), dbSNP rs2540924412, ClinGen allele CA2573050967.